The following is an entry in ClinVar:

ClinVar aggregate classification (germline): Uncertain significance (1 of 4 stars; one submission).

Submission:

Ambry Genetics
Classification: Uncertain significance. Last evaluated: 2024-10-29. Review status: criteria provided, single submitter. Criteria: Ambry Variant Classification Scheme 2023. Collection method: clinical testing. Allele origin: germline.
Comment: The c.266dupC variant, located in coding exon 1 of the PALLD gene, results from a duplication of C at nucleotide position 266, causing a translational frameshift with a predicted alternate stop codon (p.P90Afs*87). This alteration is expected to result in loss of function by premature protein truncation or nonsense-mediated mRNA decay. The evidence for this gene-disease relationship is limited; therefore, the clinical significance of this alteration is unclear.

NM_001166108.2(PALLD):c.1965-12765dup

Gene: PALLD (palladin, cytoskeletal associated protein; plus strand). Cytogenetic location: 4q32.3.
Variant type: Duplication.
Coding change: c.1965-12765dup on transcript NM_001166108.2 (MANE Select); 12765 bases into the intron before coding-DNA position 1965, one base duplicated (C; older notation c.1965-12765dupC).
Molecular consequence: intron variant. On other transcripts: frameshift variant (1).
Genome position (GRCh38, 1-based): chr4:168,878,157, C duplicated; the last of 5 consecutive C bases (chr4:168,878,153-168,878,157); duplicating any one gives the same sequence. VCF-style (leftmost placement, unchanged base first): chr4-168878152-G-GC. GRCh37 (hg19) VCF-style: chr4-169799303-G-GC.
Other names: c.266dup, p.Pro90fs (NM_001166110.2); c.1965-12765dup (NM_016081.4); c.819-12765dup (NM_001166109.2); c.-157-12765dup (NM_001367570.1, NM_001367568.1, NM_001367567.1 and 1 more transcripts); short protein forms P90fs.
Identifiers: ClinVar variation 3413689 (VCV003413689.1).
Genomic context (GRCh38, chr4:168,878,152, plus strand): 5'-GCCCTTCGCGCAGCCCTTCGGCGCTGAGCCCGAGGCCCCGTGGGGCTCCTCCTCGCCGTC[G>GC]CCCCCGCCCCCGCCACCCCCGGTCTTCAGCCCCACGGCTGCCTTCCCGGTGCCCGACGTG-3'